The following is an entry in ClinVar:

NM_000179.3(MSH6):c.3873G>T (p.Lys1291Asn)

Gene: MSH6 (mutS homolog 6; plus strand). Cytogenetic location: 2p16.3.
Variant type: single nucleotide variant.
Coding change: c.3873G>T on transcript NM_000179.3 (MANE Select); coding-DNA position 3873, G replaced by T.
Protein change: p.Lys1291Asn; replaces lysine 1291 with asparagine.
Molecular consequence: missense variant.
Genome position (GRCh38, 1-based): chr2:47,806,523, G>T. VCF-style: chr2-47806523-G-T. GRCh37 (hg19) VCF-style: chr2-48033662-G-T.
Other names: c.3483G>T, p.Lys1161Asn (NM_001281492.2); c.2967G>T, p.Lys989Asn (NM_001281493.2, NM_001281494.2, NM_001406811.1 and 6 more transcripts); c.3969G>T, p.Lys1323Asn (NM_001406795.1); c.3873G>T, p.Lys1291Asn (NM_001406796.1, NM_001406808.1, NM_001406809.1); c.3576G>T, p.Lys1192Asn (NM_001406797.1, NM_001406801.1, NM_001406805.1 and 10 more transcripts); c.3699G>T, p.Lys1233Asn (NM_001406798.1); c.3348G>T, p.Lys1116Asn (NM_001406799.1, NM_001406806.1, NM_001406807.1); c.3860G>T, p.Arg1287Met (NM_001406800.1); and 8 more; short protein forms K1161N, K1291N, K218N, K240N, K1192N, K1235N, K1323N, K606N.
Identifiers: ClinVar variation 1735732 (VCV001735732.3), dbSNP rs1670110153, ClinGen allele CA346761362.

ClinVar aggregate classification (germline): Uncertain significance. Review status: criteria provided, multiple submitters, no conflicts (2 of 4 stars). 2 submissions from 2 submitters: Uncertain significance (2). Last evaluated 2023-07-06.

Conditions:
Lynch syndrome. Identifiers: Orphanet 144, MedGen C4552100, MONDO:0005835. Disease mechanism: loss of function.
Hereditary cancer-predisposing syndrome. Also called: Neoplastic Syndromes, Hereditary; Tumor predisposition; Hereditary Cancer Syndrome; Hereditary neoplastic syndrome. Identifiers: Orphanet 140162, MedGen C0027672, MeSH D009386, MONDO:0015356.

gnomAD v4.1: 1 of 1,613,966 alleles (0.000062%); highest among the groups gnomAD compares: Non-Finnish European, 0.000085%; no homozygotes.

Submissions (2):

Department of Pathology and Laboratory Medicine, Sinai Health System
Classification: Uncertain significance for Lynch syndrome. Last evaluated: 2023-07-06. Review status: criteria provided, single submitter. Criteria: ACMG Guidelines, 2015. Collection method: clinical testing. Allele origin: germline. Affected: yes.

Ambry Genetics
Classification: Uncertain significance for Hereditary cancer-predisposing syndrome. Last evaluated: 2021-07-21. Review status: criteria provided, single submitter. Criteria: Ambry Variant Classification Scheme 2023. Collection method: clinical testing. Allele origin: germline.
Comment: The p.K1291N variant (also known as c.3873G>T), located in coding exon 9 of the MSH6 gene, results from a G to T substitution at nucleotide position 3873. The lysine at codon 1291 is replaced by asparagine, an amino acid with similar properties. This amino acid position is not well conserved in available vertebrate species. In addition, this alteration is predicted to be tolerated by in silico analysis. Since supporting evidence is limited at this time, the clinical significance of this alteration remains unclear.